The following is an entry in ClinVar:

NM_000245.4(MET):c.1558T>C (p.Cys520Arg)

Gene: MET (MET proto-oncogene, receptor tyrosine kinase; plus strand). Cytogenetic location: 7q31.2.
Variant type: single nucleotide variant.
Coding change: c.1558T>C on transcript NM_000245.4 (MANE Select); coding-DNA position 1558, T replaced by C.
Protein change: p.Cys520Arg; replaces cysteine 520 with arginine.
Molecular consequence: missense variant.
Genome position (GRCh38, 1-based): chr7:116,740,882, T>C. VCF-style: chr7-116740882-T-C. GRCh37 (hg19) VCF-style: chr7-116380936-T-C.
Other names: c.1558T>C, p.Cys520Arg (NM_001127500.3, NM_001324401.3); c.268T>C, p.Cys90Arg (NM_001324402.2); short protein forms C520R, C90R.
Identifiers: ClinVar variation 819529 (VCV000819529.5), dbSNP rs1584923126, ClinGen allele CA368975087.
Genomic context (GRCh38, chr7:116,740,882, plus strand): 5'-GGAAGCTCTTTCCACCCCTTCTCTTCACAGATCACGAAGATCCCATTGAATGGCTTGGGC[T>C]GCAGACATTTCCAGTCCTGCAGTCAATGCCTCTCTGCCCCACCCTTTGTTCAGTGTGGCT-3'
Protein context (NP_000236.2, residues 510-530): ITKIPLNGLG[Cys520Arg]RHFQSCSQCL

ClinVar aggregate classification (germline): Uncertain significance (1 of 4 stars; one submission).

Conditions:
Hereditary cancer-predisposing syndrome. Also called: Tumor predisposition; Hereditary Cancer Syndrome; Neoplastic Syndromes, Hereditary; Hereditary neoplastic syndrome. Identifiers: Orphanet 140162, MedGen C0027672, MeSH D009386, MONDO:0015356.

Submission:

Ambry Genetics
Classification: Uncertain significance for Hereditary cancer-predisposing syndrome. Last evaluated: 2026-07-15. Review status: criteria provided, single submitter. Criteria: Ambry Variant Classification Scheme 2023. Collection method: clinical testing. Allele origin: germline.
Comment: The p.C520R variant (also known as c.1558T>C), located in coding exon 4 of the MET gene, results from a T to C substitution at nucleotide position 1558. The cysteine at codon 520 is replaced by arginine, an amino acid with highly dissimilar properties. This amino acid position is highly conserved in available vertebrate species. In addition, this alteration is predicted to be deleterious by in silico analysis. Based on the available evidence, the clinical significance of this variant remains unclear.